The following is an entry in ClinVar:

NM_001365951.3(KIF1B):c.3079C>T (p.Arg1027Ter)

Gene: KIF1B (kinesin family member 1B; plus strand). Cytogenetic location: 1p36.22.
Variant type: single nucleotide variant.
Coding change: c.3079C>T on transcript NM_001365951.3 (MANE Select); coding-DNA position 3079, C replaced by T.
Protein change: p.Arg1027Ter; replaces arginine 1027 with a stop codon.
Molecular consequence: nonsense.
Genome position (GRCh38, 1-based): chr1:10,336,692, C>T. VCF-style: chr1-10336692-C-T. GRCh37 (hg19) VCF-style: chr1-10396750-C-T.
Other names: c.3079C>T, p.Arg1027Ter (NM_001365952.1); c.2941C>T, p.Arg981Ter (NM_015074.3); short protein forms R981*, R1027*.
Identifiers: ClinVar variation 283613 (VCV000283613.9), dbSNP rs886042662, ClinGen allele CA10604534.
Genomic context (GRCh38, chr1:10,336,692, plus strand): 5'-TTGCTAATTTTTTTTTCTGCTTTAGCGGATGAAGAAGCTCCTGATTATGGCTCTGGAATT[C>T]GACAGTCAGGAACAGCTAAAATATCTTTTGATAATGAATACTTTAATCAGGTGAGAAACC-3'

ClinVar aggregate classification (germline): Conflicting classifications of pathogenicity. Review status: criteria provided, conflicting classifications (1 of 4 stars). 3 submissions from 3 submitters: Likely pathogenic (1); Uncertain significance (2). Last evaluated 2023-06-11.

Conditions:
Charcot-Marie-Tooth disease type 2. Also called: Charcot-Marie-Tooth type 2. Identifiers: Orphanet 64746, MedGen C0270914, MONDO:0018993.
Global developmental delay (DD). Also called: Cognitive delay. Identifiers: MedGen C0557874, HP:0001263. Disease mechanism: loss of function.
Exaggerated startle response. Identifiers: MedGen C1740801, HP:0002267.
EEG abnormality. Also called: Electroencephalogram (EEG) abnormalities; EEG abnormalities. Identifiers: MedGen C0151611, HP:0002353.

Allele frequency attached by ClinVar (database versions not stated): gnomAD exomes below 0.00001.
gnomAD v4.1: 1 of 1,613,812 alleles (0.000062%); highest among the groups gnomAD compares: Non-Finnish European, 0.000085%; no homozygotes.

Submissions (3):

Labcorp Genetics (formerly Invitae), Labcorp
Classification: Uncertain significance for Charcot-Marie-Tooth disease type 2. Last evaluated: 2023-06-11. Review status: criteria provided, single submitter. Criteria: Invitae Variant Classification Sherloc (09022015). Collection method: clinical testing. Allele origin: germline.
Comment: In summary, the available evidence is currently insufficient to determine the role of this variant in disease. Therefore, it has been classified as a Variant of Uncertain Significance. This sequence change creates a premature translational stop signal (p.Arg981*) in the KIF1B gene. It is expected to result in an absent or disrupted protein product. However, the current clinical and genetic evidence is not sufficient to establish whether loss-of-function variants in KIF1B cause disease. This variant is not present in population databases (gnomAD no frequency). This variant has not been reported in the literature in individuals affected with KIF1B-related conditions. ClinVar contains an entry for this variant (Variation ID: 283613). Algorithms developed to predict the effect of sequence changes on RNA splicing suggest that this variant may disrupt the consensus splice site.

Institute of Human Genetics Munich, TUM University Hospital
Classification: Likely pathogenic for EEG abnormality; Exaggerated startle response; Global developmental delay. Last evaluated: 2021-03-05. Review status: criteria provided, single submitter. Criteria: Classification criteria August 2017. Collection method: clinical testing. Allele origin: de novo. Inheritance: Autosomal dominant inheritance. Affected: yes. Observed: 1 variant allele.

Eurofins Ntd Llc (ga)
Classification: Uncertain significance. Last evaluated: 2015-09-29. Review status: criteria provided, single submitter. Criteria: EGL Classification Definitions 2015. Collection method: clinical testing. Allele origin: germline. Observed: 1 variant allele, 1 heterozygote.